The following is an entry in ClinVar:

NM_022726.4(ELOVL4):c.292T>C (p.Phe98Leu)

Gene: ELOVL4 (ELOVL fatty acid elongase 4; minus strand). Cytogenetic location: 6q14.1.
Variant type: single nucleotide variant.
Coding change: c.292T>C on transcript NM_022726.4 (MANE Select); coding-DNA position 292, T replaced by C.
Protein change: p.Phe98Leu; replaces phenylalanine 98 with leucine.
Molecular consequence: missense variant.
Genome position (GRCh38, 1-based): chr6:79,925,029, A>G on the plus strand (T>C on the coding strand, the complement: ELOVL4 is on the minus strand). VCF-style: chr6-79925029-A-G. GRCh37 (hg19) VCF-style: chr6-80634746-A-G.
Other names: short protein forms F98L.
Identifiers: ClinVar variation 2133798 (VCV002133798.4), dbSNP rs2532978778, ClinGen allele CA364657208.

ClinVar aggregate classification (germline): Uncertain significance (1 of 4 stars; one submission).

Submission:

Labcorp Genetics (formerly Invitae), Labcorp
Classification: Uncertain significance. Last evaluated: 2022-09-15. Review status: criteria provided, single submitter. Criteria: Invitae Variant Classification Sherloc (09022015). Collection method: clinical testing. Allele origin: germline.
Comment: This sequence change replaces phenylalanine, which is neutral and non-polar, with leucine, which is neutral and non-polar, at codon 98 of the ELOVL4 protein (p.Phe98Leu). This variant is not present in population databases (gnomAD no frequency). This variant has not been reported in the literature in individuals affected with ELOVL4-related conditions. Advanced modeling of protein sequence and biophysical properties (such as structural, functional, and spatial information, amino acid conservation, physicochemical variation, residue mobility, and thermodynamic stability) performed at Invitae indicates that this missense variant is not expected to disrupt ELOVL4 protein function. In summary, the available evidence is currently insufficient to determine the role of this variant in disease. Therefore, it has been classified as a Variant of Uncertain Significance.